The following is an entry in ClinVar:

NM_005732.4(RAD50):c.2395C>T (p.Gln799Ter)

Gene: RAD50 (RAD50 double strand break repair protein; plus strand). Cytogenetic location: 5q31.1.
Variant type: single nucleotide variant.
Coding change: c.2395C>T on transcript NM_005732.4 (MANE Select); coding-DNA position 2395, C replaced by T.
Protein change: p.Gln799Ter; replaces glutamine 799 with a stop codon.
Molecular consequence: nonsense.
Genome position (GRCh38, 1-based): chr5:132,603,487, C>T. VCF-style: chr5-132603487-C-T. GRCh37 (hg19) VCF-style: chr5-131939179-C-T.
Other names: short protein forms Q799*.
Identifiers: ClinVar variation 1323514 (VCV001323514.7), dbSNP rs876658749, ClinGen allele CA360955158.

ClinVar aggregate classification (germline): Pathogenic. Review status: criteria provided, multiple submitters, no conflicts (2 of 4 stars). 2 submissions from 2 submitters: Pathogenic (2). Last evaluated 2023-03-22.

Conditions:
Hereditary cancer-predisposing syndrome. Also called: Hereditary neoplastic syndrome; Neoplastic Syndromes, Hereditary; Tumor predisposition; Hereditary Cancer Syndrome. Identifiers: Orphanet 140162, MedGen C0027672, MeSH D009386, MONDO:0015356.
Nijmegen breakage syndrome-like disorder (NBSLD). Also called: MICROCEPHALY AND SPONTANEOUS CHROMOSOME INSTABILITY WITHOUT IMMUNODEFICIENCY; NBS-LIKE DISORDER; RAD50 DEFICIENCY. Identifiers: Orphanet 240760, MedGen C2751318, MONDO:0013118, OMIM 613078.

Allele frequency attached by ClinVar (database versions not stated): TOPMed 0.00001.

Submissions (2):

Labcorp Genetics (formerly Invitae), Labcorp
Classification: Pathogenic for Hereditary cancer-predisposing syndrome. Last evaluated: 2023-03-22. Review status: criteria provided, single submitter. Criteria: Invitae Variant Classification Sherloc (09022015). Collection method: clinical testing. Allele origin: germline.
Comment: This sequence change creates a premature translational stop signal (p.Gln799*) in the RAD50 gene. It is expected to result in an absent or disrupted protein product. Loss-of-function variants in RAD50 are known to be pathogenic (PMID: 19409520). This variant is not present in population databases (gnomAD no frequency). This variant has not been reported in the literature in individuals affected with RAD50-related conditions. ClinVar contains an entry for this variant (Variation ID: 1323514). For these reasons, this variant has been classified as Pathogenic.

Revvity Omics, Revvity
Classification: Pathogenic for Nijmegen breakage syndrome-like disorder. Last evaluated: 2019-05-17. Review status: criteria provided, single submitter. Criteria: ACMG Guidelines, 2015. Collection method: clinical testing. Allele origin: germline.

Literature cited by the submitters: PubMed 19409520 (cited by Labcorp Genetics (formerly Invitae), Labcorp).